The following is an entry in ClinVar:

NM_000492.4(CFTR):c.3209G>C (p.Arg1070Pro)

Genes: CFTR (CF transmembrane conductance regulator; plus strand), CFTR-AS2 (CFTR antisense RNA 2; minus strand), LOC111674472 (DNase I hypersensitive sites in introns 16 and 17a of CFTR; plus strand). Cytogenetic location: 7q31.2.
Variant type: single nucleotide variant.
Coding change: c.3209G>C on transcript NM_000492.4 (MANE Select); coding-DNA position 3209, G replaced by C.
Protein change: p.Arg1070Pro; replaces arginine 1070 with proline.
Molecular consequence: missense variant.
Genome position (GRCh38, 1-based): chr7:117,611,650, G>C. VCF-style: chr7-117611650-G-C. GRCh37 (hg19) VCF-style: chr7-117251704-G-C.
Other names: short protein forms R1070P.
Identifiers: ClinVar variation 53686 (VCV000053686.5), dbSNP rs78769542, ClinGen allele CA327100.

ClinVar aggregate classification (germline): Likely pathogenic. Review status: criteria provided, single submitter (1 of 4 stars). 2 submissions from 2 submitters: Likely pathogenic (1). 1 of the submissions does not count toward it. Last evaluated 2022-06-06.

Conditions:
Cystic fibrosis (CF). Also called: MUCOVISCIDOSIS. Identifiers: Orphanet 586, MedGen C0010674, MONDO:0009061, OMIM 219700. Disease mechanism: loss of function.

Submissions (2):

Labcorp Genetics (formerly Invitae), Labcorp
Classification: Likely pathogenic for Cystic fibrosis. Last evaluated: 2022-06-06. Review status: criteria provided, single submitter. Criteria: Invitae Variant Classification Sherloc (09022015). Collection method: clinical testing. Allele origin: germline.
Comment: In summary, the currently available evidence indicates that the variant is pathogenic, but additional data are needed to prove that conclusively. Therefore, this variant has been classified as Likely Pathogenic. This missense change has been observed in individuals with cystic fibrosis (PMID: 9401006, 18951463). This variant is also known as c.3341G>C. ClinVar contains an entry for this variant (Variation ID: 53686). Algorithms developed to predict the effect of missense changes on protein structure and function are either unavailable or do not agree on the potential impact of this missense change (SIFT: "Tolerated"; PolyPhen-2: "Probably Damaging"; Align-GVGD: "Class C0"). Experimental studies have shown that this missense change affects CFTR function (PMID: 10762539, 18951463). This variant disrupts the p.Arg1070 amino acid residue in CFTR. Other variant(s) that disrupt this residue have been determined to be pathogenic (PMID: 7539342, 9239681, 9598638, 10875853, 15070876, 16189704, 18951463, 20460946, 20880762, 21520337, 23891399, 23974870, 27171515). This suggests that this residue is clinically significant, and that variants that disrupt this residue are likely to be disease-causing. This sequence change replaces arginine, which is basic and polar, with proline, which is neutral and non-polar, at codon 1070 of the CFTR protein (p.Arg1070Pro). This variant is not present in population databases (gnomAD no frequency).

ClinVar Staff, National Center for Biotechnology Information (NCBI)
No classification provided. Condition: CFTR-related disorders. Review status: no classification provided. Collection method: literature only. Allele origin: germline. Affected: yes. Not counted in ClinVar's aggregate classification.

Literature cited by the submitters: PubMed 9401006 (cited by Labcorp Genetics (formerly Invitae), Labcorp); PubMed 18951463 (cited by Labcorp Genetics (formerly Invitae), Labcorp and ClinVar Staff, National Center for Biotechnology Information (NCBI)); PubMed 10762539 (cited by Labcorp Genetics (formerly Invitae), Labcorp and ClinVar Staff, National Center for Biotechnology Information (NCBI)); PubMed 7539342 (cited by Labcorp Genetics (formerly Invitae), Labcorp); PubMed 9239681 (cited by Labcorp Genetics (formerly Invitae), Labcorp); PubMed 9598638 (cited by Labcorp Genetics (formerly Invitae), Labcorp); PubMed 10875853 (cited by Labcorp Genetics (formerly Invitae), Labcorp); PubMed 15070876 (cited by Labcorp Genetics (formerly Invitae), Labcorp); PubMed 16189704 (cited by Labcorp Genetics (formerly Invitae), Labcorp); PubMed 20460946 (cited by Labcorp Genetics (formerly Invitae), Labcorp); PubMed 20880762 (cited by Labcorp Genetics (formerly Invitae), Labcorp); PubMed 21520337 (cited by Labcorp Genetics (formerly Invitae), Labcorp); PubMed 23891399 (cited by Labcorp Genetics (formerly Invitae), Labcorp); PubMed 23974870 (cited by Labcorp Genetics (formerly Invitae), Labcorp); PubMed 27171515 (cited by Labcorp Genetics (formerly Invitae), Labcorp).